The following is an entry in ClinVar:

NM_001023.4(RPS20):c.205C>T (p.Pro69Ser)

Gene: RPS20 (ribosomal protein S20; minus strand). Cytogenetic location: 8q12.1.
Variant type: single nucleotide variant.
Coding change: c.205C>T on transcript NM_001023.4 (MANE Select); coding-DNA position 205, C replaced by T.
Protein change: p.Pro69Ser; replaces proline 69 with serine.
Molecular consequence: missense variant.
Genome position (GRCh38, 1-based): chr8:56,073,245, G>A on the plus strand (C>T on the coding strand, the complement: RPS20 is on the minus strand). VCF-style: chr8-56073245-G-A. GRCh37 (hg19) VCF-style: chr8-56985804-G-A.
Other names: c.205C>T, p.Pro69Ser (NM_001146227.3); short protein forms P69S.
Identifiers: ClinVar variation 4841903 (VCV004841903.1).

ClinVar aggregate classification (germline): Uncertain significance (1 of 4 stars; one submission).

Submission:

Ambry Genetics
Classification: Uncertain significance. Last evaluated: 2025-12-29. Review status: criteria provided, single submitter. Criteria: Ambry Variant Classification Scheme 2023. Collection method: clinical testing. Allele origin: germline.
Comment: The p.P69S variant (also known as c.205C>T), located in coding exon 4 of the RPS20 gene, results from a C to T substitution at nucleotide position 205. The proline at codon 69 is replaced by serine, an amino acid with similar properties. This amino acid position is highly conserved in available vertebrate species. In addition, this alteration is predicted to be deleterious by in silico analysis. Based on the available evidence, the clinical significance of this variant remains unclear.